The following is an entry in ClinVar:

ClinVar aggregate classification (germline): Uncertain significance. Review status: criteria provided, multiple submitters, no conflicts (2 of 4 stars). 2 submissions from 2 submitters: Uncertain significance (2). Last evaluated 2025-07-17.

Conditions:
Tuberous sclerosis 2 (TSC2). Identifiers: Orphanet 805, MedGen C1860707, MONDO:0013199, OMIM 613254.
Hereditary cancer-predisposing syndrome. Also called: Neoplastic Syndromes, Hereditary; Hereditary neoplastic syndrome; Hereditary Cancer Syndrome; Tumor predisposition. Identifiers: Orphanet 140162, MedGen C0027672, MeSH D009386, MONDO:0015356.

gnomAD v4.1: 1 of 1,613,764 alleles (0.000062%); highest among the groups gnomAD compares: African/African-American, 0.0013%; no homozygotes.

Submissions (2):

Ambry Genetics
Classification: Uncertain significance for Hereditary cancer-predisposing syndrome. Last evaluated: 2025-07-17. Review status: criteria provided, single submitter. Criteria: Ambry Variant Classification Scheme 2023. Collection method: clinical testing. Allele origin: germline.
Comment: The p.A196V variant (also known as c.587C>T), located in coding exon 5 of the TSC2 gene, results from a C to T substitution at nucleotide position 587. The alanine at codon 196 is replaced by valine, an amino acid with similar properties. This amino acid position is not well conserved in available vertebrate species. In addition, the in silico prediction for this alteration is inconclusive. Based on the available evidence, the clinical significance of this variant remains unclear.

Labcorp Genetics (formerly Invitae), Labcorp
Classification: Uncertain significance for Tuberous sclerosis 2. Last evaluated: 2022-09-19. Review status: criteria provided, single submitter. Criteria: Invitae Variant Classification Sherloc (09022015). Collection method: clinical testing. Allele origin: germline.
Comment: Algorithms developed to predict the effect of sequence changes on RNA splicing suggest that this variant may disrupt the consensus splice site. Advanced modeling of protein sequence and biophysical properties (such as structural, functional, and spatial information, amino acid conservation, physicochemical variation, residue mobility, and thermodynamic stability) performed at Invitae indicates that this missense variant is not expected to disrupt TSC2 protein function. ClinVar contains an entry for this variant (Variation ID: 654311). This variant has not been reported in the literature in individuals affected with TSC2-related conditions. This variant is not present in population databases (gnomAD no frequency). This sequence change replaces alanine, which is neutral and non-polar, with valine, which is neutral and non-polar, at codon 196 of the TSC2 protein (p.Ala196Val). In summary, the available evidence is currently insufficient to determine the role of this variant in disease. Therefore, it has been classified as a Variant of Uncertain Significance.

NM_000548.5(TSC2):c.587C>T (p.Ala196Val)

Gene: TSC2 (TSC complex subunit 2; plus strand). Cytogenetic location: 16p13.3.
Variant type: single nucleotide variant.
Coding change: c.587C>T on transcript NM_000548.5 (MANE Select); coding-DNA position 587, C replaced by T.
Protein change: p.Ala196Val; replaces alanine 196 with valine.
Molecular consequence: missense variant. On other transcripts: intron variant (1).
Genome position (GRCh38, 1-based): chr16:2,055,507, C>T. VCF-style: chr16-2055507-C-T. GRCh37 (hg19) VCF-style: chr16-2105508-C-T.
Other names: c.587C>T, p.Ala196Val (NM_001077183.3, NM_001114382.3, NM_001363528.2 and 3 more transcripts); c.476C>T, p.Ala159Val (NM_001318827.2); c.440C>T, p.Ala147Val (NM_001318829.2); c.620C>T, p.Ala207Val (NM_001318832.2); c.-1-689C>T (NM_001318831.2); short protein forms A159V, A147V, A207V, A196V.
Identifiers: ClinVar variation 654311 (VCV000654311.11), dbSNP rs1596271211, ClinGen allele CA394309819.
Genomic context (GRCh38, chr16:2,055,507, plus strand): 5'-TCCTTCTGGTGCTGGTGAACTTGGTCAAATTCAATAGCTGTTACCTCGACGAGTACATCG[C>T]AAGGATGGTTCAGTAAGAAAAGAATTGAGATCCTGTTCTGATAATGGTCCTAAGTTCAGC-3'
Protein context (NP_000539.2, residues 186-206): FNSCYLDEYI[Ala196Val]RMVQMICLLC